The following is an entry in ClinVar:

ClinVar aggregate classification (germline): Likely benign. Review status: criteria provided, single submitter (1 of 4 stars). 2 submissions from 2 submitters: Likely benign (1). 1 of the submissions does not count toward it. Last evaluated 2025-12-19.

Conditions:
Rubinstein-Taybi syndrome due to EP300 haploinsufficiency. Also called: RUBINSTEIN-TAYBI SYNDROME 2; EP300-Related Rubinstein-Taybi Syndrome. Identifiers: Orphanet 353284, Orphanet 783, MedGen C3150941, MONDO:0013364, OMIM 613684.
EP300-related disorder. Also called: EP300-related condition; EP300-related disorders.

Allele frequency attached by ClinVar (database versions not stated): gnomAD exomes below 0.00001 and 0.00001; gnomAD 0.00001; TOPMed 0.00001; ExAC 0.00002.
gnomAD v4.1: 5 of 1,614,124 alleles (0.00031%); highest among the groups gnomAD compares: Admixed American, 0.005%; no homozygotes.

Submissions (2):

Labcorp Genetics (formerly Invitae), Labcorp
Classification: Likely benign for Rubinstein-Taybi syndrome due to EP300 haploinsufficiency. Last evaluated: 2025-12-19. Review status: criteria provided, single submitter. Criteria: Invitae Variant Classification Sherloc (09022015). Collection method: clinical testing. Allele origin: germline.

PreventionGenetics, part of Exact Sciences
Classification: Uncertain significance for EP300-related condition. Last evaluated: 2024-01-08. Review status: no assertion criteria provided. Collection method: clinical testing. Allele origin: germline. Not counted in ClinVar's aggregate classification.
Comment: The EP300 c.667C>G variant is predicted to result in the amino acid substitution p.Leu223Val. To our knowledge, this variant has not been reported in the literature. This variant is reported in 0.0029% of alleles in individuals of Latino descent in gnomAD. At this time, the clinical significance of this variant is uncertain due to the absence of conclusive functional and genetic evidence.

NM_001429.4(EP300):c.667C>G (p.Leu223Val)

Gene: EP300 (EP300 lysine acetyltransferase; plus strand). Cytogenetic location: 22q13.2.
Variant type: single nucleotide variant.
Coding change: c.667C>G on transcript NM_001429.4 (MANE Select); coding-DNA position 667, C replaced by G.
Protein change: p.Leu223Val; replaces leucine 223 with valine.
Molecular consequence: missense variant.
Genome position (GRCh38, 1-based): chr22:41,117,759, C>G. VCF-style: chr22-41117759-C-G. GRCh37 (hg19) VCF-style: chr22-41513763-C-G.
Other names: c.667C>G, p.Leu223Val (NM_001362843.2); short protein forms L223V.
Identifiers: ClinVar variation 2716494 (VCV002716494.5), dbSNP rs746720991, ClinGen allele CA10252295.